The following is an entry in ClinVar:

ClinVar aggregate classification (germline): Uncertain significance (1 of 4 stars; one submission).

Allele frequency attached by ClinVar (database versions not stated): gnomAD exomes below 0.00001.

Submission:

Labcorp Genetics (formerly Invitae), Labcorp
Classification: Uncertain significance. Last evaluated: 2022-05-25. Review status: criteria provided, single submitter. Criteria: Invitae Variant Classification Sherloc (09022015). Collection method: clinical testing. Allele origin: germline.
Comment: This variant has not been reported in the literature in individuals affected with DHX32-related conditions. This sequence change replaces isoleucine, which is neutral and non-polar, with valine, which is neutral and non-polar, at codon 182 of the DHX32 protein (p.Ile182Val). This variant is not present in population databases (gnomAD no frequency). Algorithms developed to predict the effect of missense changes on protein structure and function output the following: SIFT: "Tolerated"; PolyPhen-2: "Benign"; Align-GVGD: "Class C0". The valine amino acid residue is found in multiple mammalian species, which suggests that this missense change does not adversely affect protein function. In summary, the available evidence is currently insufficient to determine the role of this variant in disease. Therefore, it has been classified as a Variant of Uncertain Significance.

NM_018180.3(DHX32):c.544A>G (p.Ile182Val)

Gene: DHX32 (DEAH-box helicase 32 (putative); minus strand). Cytogenetic location: 10q26.2.
Variant type: single nucleotide variant.
Coding change: c.544A>G on transcript NM_018180.3 (MANE Select); coding-DNA position 544, A replaced by G.
Protein change: p.Ile182Val; replaces isoleucine 182 with valine.
Molecular consequence: missense variant.
Genome position (GRCh38, 1-based): chr10:125,859,908, T>C on the plus strand (A>G on the coding strand, the complement: DHX32 is on the minus strand). VCF-style: chr10-125859908-T-C. GRCh37 (hg19) VCF-style: chr10-127548477-T-C.
Other names: short protein forms I182V.
Identifiers: ClinVar variation 1923592 (VCV001923592.5), dbSNP rs2494436854, ClinGen allele CA378679071.
Genomic context (GRCh38, chr10:125,859,908, plus strand): 5'-TAAGAAGTCCAAGTAACACATCAGTTGCAATGCTTCTTTCATGAATATCATCTAAGATGA[T>C]GACCCCATAGCTACCCAAAAAAGGATTGGACATCATTTCTCTTTGCAGCATATCATCAGT-3'
Protein context (NP_060650.2, residues 172-192): SNPFLGSYGV[Ile182Val]ILDDIHERSI